The following is an entry in ClinVar:

ClinVar aggregate classification (germline): Uncertain significance. Review status: criteria provided, multiple submitters, no conflicts (2 of 4 stars). 3 submissions from 3 submitters: Uncertain significance (3). Last evaluated 2025-11-13.

Conditions:
Inborn genetic diseases. Identifiers: MedGen C0950123, MeSH D030342.
Hermansky-Pudlak syndrome 1 (HPS1). Also called: DELTA STORAGE POOL DISEASE. Identifiers: Orphanet 231500, Orphanet 79430, MedGen C2931875, MONDO:0008748, OMIM 203300.

Allele frequency attached by ClinVar (database versions not stated): gnomAD 0.00004; gnomAD exomes 0.00001; ExAC 0.00002; TOPMed 0.00003.
gnomAD v4.1: 15 of 1,608,638 alleles (0.00093%); highest among the groups gnomAD compares: African/African-American, 0.0067%; no homozygotes.

Submissions (3):

Ambry Genetics
Classification: Uncertain significance for Inborn genetic diseases. Last evaluated: 2025-11-13. Review status: criteria provided, single submitter. Criteria: Ambry Variant Classification Scheme 2023. Collection method: clinical testing. Allele origin: germline.

Fulgent Genetics
Classification: Uncertain significance for Hermansky-Pudlak syndrome 1. Last evaluated: 2024-04-10. Review status: criteria provided, single submitter. Criteria: ACMG Guidelines, 2015. Collection method: clinical testing. Allele origin: germline.

Labcorp Genetics (formerly Invitae), Labcorp
Classification: Uncertain significance. Last evaluated: 2021-08-24. Review status: criteria provided, single submitter. Criteria: Invitae Variant Classification Sherloc (09022015). Collection method: clinical testing. Allele origin: germline.
Comment: This sequence change replaces proline with serine at codon 387 of the HPS1 protein (p.Pro387Ser). The proline residue is moderately conserved and there is a moderate physicochemical difference between proline and serine. This variant is present in population databases (rs771296029, ExAC 0.02%). This variant has not been reported in the literature in individuals affected with HPS1-related conditions. Algorithms developed to predict the effect of missense changes on protein structure and function output the following: SIFT: "Tolerated"; PolyPhen-2: "Benign"; Align-GVGD: "Class C0". The serine amino acid residue is found in multiple mammalian species, which suggests that this missense change does not adversely affect protein function. In summary, the available evidence is currently insufficient to determine the role of this variant in disease. Therefore, it has been classified as a Variant of Uncertain Significance.

NM_000195.5(HPS1):c.1159C>T (p.Pro387Ser)

Gene: HPS1 (HPS1 biogenesis of lysosomal organelles complex 3 subunit 1; minus strand). Cytogenetic location: 10q24.2.
Variant type: single nucleotide variant.
Coding change: c.1159C>T on transcript NM_000195.5 (MANE Select); coding-DNA position 1159, C replaced by T.
Protein change: p.Pro387Ser; replaces proline 387 with serine.
Molecular consequence: missense variant.
Genome position (GRCh38, 1-based): chr10:98,425,717, G>A on the plus strand (C>T on the coding strand, the complement: HPS1 is on the minus strand). VCF-style: chr10-98425717-G-A. GRCh37 (hg19) VCF-style: chr10-100185474-G-A.
Other names: c.187C>T, p.Pro63Ser (NM_001311345.2, NM_001322487.2, NM_001322489.2); c.1159C>T, p.Pro387Ser (NM_001322476.2, NM_001322477.2); c.1060C>T, p.Pro354Ser (NM_001322478.2, NM_001322479.2); c.898C>T, p.Pro300Ser (NM_001322480.2, NM_001322481.2); c.799C>T, p.Pro267Ser (NM_001322482.2); c.790C>T, p.Pro264Ser (NM_001322483.2, NM_001322484.2); c.691C>T, p.Pro231Ser (NM_001322485.2); c.1159C>T (NM_000195.3); short protein forms P264S, P63S, P354S, P387S, P231S, P267S, P300S.
Identifiers: ClinVar variation 2171761 (VCV002171761.3), dbSNP rs771296029, ClinGen allele CA5639117.